The following is an entry in ClinVar:

NM_006005.3(WFS1):c.2390_2391insACG (p.Asp797delinsGluArg)

Gene: WFS1 (wolframin ER transmembrane glycoprotein; plus strand). Cytogenetic location: 4p16.1.
Variant type: Insertion.
Coding change: c.2390_2391insACG on transcript NM_006005.3 (MANE Select); coding-DNA positions 2390 to 2391, ACG inserted.
Protein change: p.Asp797delinsGluArg.
Molecular consequence: inframe indel.
Genome position: GRCh38 VCF-style: chr4-6302185-A-AACG. GRCh37 (hg19) VCF-style: chr4-6303912-A-AACG.
Other names: c.2390_2391insACG, p.Asp797delinsGluArg (NM_001145853.1).
Identifiers: ClinVar variation 217514 (VCV000217514.2), dbSNP rs863225126, ClinGen allele CA325474.

ClinVar aggregate classification (germline): Conflicting classifications of pathogenicity. Review status: criteria provided, conflicting classifications (1 of 4 stars). 2 submissions from 2 submitters: Likely pathogenic (1); Uncertain significance (1). Last evaluated 2014-08-05.

Conditions:
Wolfram syndrome 1 (WFS1). Identifiers: Orphanet 3463, MedGen C4551693, MONDO:0009101, OMIM 222300.

Submissions (2):

GeneDx
Classification: Uncertain significance. Last evaluated: 2014-08-05. Review status: criteria provided, single submitter. Criteria: GeneDx Variant Classification (06012015). Collection method: clinical testing. Allele origin: germline. Affected: yes.
Comment: c.2390_2391insACG: p.D797delinsER (D797delinsER) in exon 9 of the WFS1 gene (NM_006005.3) The normal sequence with the bases that are duplicated in braces is GACG{dupACG}TCAC. The c.2390_2391insACG variant in the WFS1 gene has been reported previously in an individual with Wolfram syndrome, reported in the paper using alternate nomenclature (c.2392_2393insGAC) (Colosimo et al., 2003). However, this individual also had a nonsense mutation on the same allele and the authors concluded that the association of the insertion with the nonsense mutation may have a more severe consequence on the WFS1 protein; however the pathogenic role of this change remains unclear. The c.2390_2391insACG variant results in an in-frame duplication of a single amino acid (Asp797) at a highly conserved residue in the WFS1 protein. What affect a duplication of the Asp797 residue has on the WFS1 protein structure/function is not known. Therefore, based on the currently available information, it is unclear whether c.2390_2391insACG is a disease-causing mutation or a rare benign variant. The variant is found in MITONUC-MITOP panel(s).

Clinical Genomics, Uppaluri K&H Personalized Medicine Clinic
Classification: Likely pathogenic for Wolfram syndrome 1. Review status: criteria provided, single submitter. Criteria: K & H Uppaluri Personalized Medicine Clinic Variant Classification & Assertion Criteria_Updated V.1. Collection method: research. Allele origin: unknown. Inheritance: Autosomal recessive inheritance.
Comment: Potent mutations in WFS1 gene are associated with Wolfram's syndrome, an autosomal recessive condition, which cause diabetes mellitus, diabetes insipidus, deafness and optic atrophy. However no sufficient evidence is found to ascertain the role of this particular variant rs863225126 in Wolfram's syndrome yet.

Literature cited by the submitters: PubMed 20738327 (cited by Clinical Genomics, Uppaluri K&H Personalized Medicine Clinic); PubMed 33879153 (cited by Clinical Genomics, Uppaluri K&H Personalized Medicine Clinic); PubMed 12955714 (cited by Clinical Genomics, Uppaluri K&H Personalized Medicine Clinic); PubMed 18060660 (cited by Clinical Genomics, Uppaluri K&H Personalized Medicine Clinic); PubMed 20301750 (cited by Clinical Genomics, Uppaluri K&H Personalized Medicine Clinic); PubMed 17603484 (cited by Clinical Genomics, Uppaluri K&H Personalized Medicine Clinic).